The following is an entry in ClinVar:

NM_001298.3(CNGA3):c.520del (p.Ala174fs)

Gene: CNGA3 (cyclic nucleotide gated channel subunit alpha 3; plus strand). Cytogenetic location: 2q11.2.
Variant type: Deletion.
Coding change: c.520del on transcript NM_001298.3 (MANE Select); coding-DNA position 520, one base deleted (G; older notation c.520delG).
Protein change: p.Ala174fs; shifts the reading frame from alanine 174.
Molecular consequence: frameshift variant.
Genome position (GRCh38, 1-based): chr2:98,389,728, G deleted. VCF-style (leftmost placement, unchanged base first): chr2-98389727-CG-C. GRCh37 (hg19) VCF-style: chr2-99006190-CG-C.
Other names: c.466del, p.Ala156fs (NM_001079878.2); short protein forms A156fs, A174fs.
Identifiers: ClinVar variation 1072453 (VCV001072453.7), dbSNP rs1692739694, ClinGen allele CA1273416689.

ClinVar aggregate classification (germline): Pathogenic (1 of 4 stars; one submission).

Allele frequency attached by ClinVar (database versions not stated): TOPMed 0.00001.

Submission:

Labcorp Genetics (formerly Invitae), Labcorp
Classification: Pathogenic. Last evaluated: 2020-02-26. Review status: criteria provided, single submitter. Criteria: Invitae Variant Classification Sherloc (09022015). Collection method: clinical testing. Allele origin: germline.
Comment: For these reasons, this variant has been classified as Pathogenic. Loss-of-function variants in CNGA3 are known to be pathogenic (PMID: 14757870, 24903488, 25637600). This variant has not been reported in the literature in individuals with CNGA3-related conditions. This variant is not present in population databases (ExAC no frequency). This sequence change creates a premature translational stop signal (p.Ala174Profs*27) in the CNGA3 gene. It is expected to result in an absent or disrupted protein product.

Literature cited by the submitters: PubMed 14757870; PubMed 24903488; PubMed 25637600.